The following is an entry in ClinVar:

NM_001206927.2(DNAH8):c.10081G>A (p.Ala3361Thr)

Genes: DNAH8-AS1 (DNAH8 antisense RNA 1; minus strand), DNAH8 (dynein axonemal heavy chain 8; plus strand). Cytogenetic location: 6p21.2.
Variant type: single nucleotide variant.
Coding change: c.10081G>A on transcript NM_001206927.2 (MANE Select); coding-DNA position 10081, G replaced by A.
Protein change: p.Ala3361Thr; replaces alanine 3361 with threonine.
Molecular consequence: missense variant.
Genome position (GRCh38, 1-based): chr6:38,915,318, G>A. VCF-style: chr6-38915318-G-A. GRCh37 (hg19) VCF-style: chr6-38883094-G-A.
Other names: c.9430G>A, p.Ala3144Thr (NM_001371.4); c.10081G>A (NM_001206927.1); short protein forms A3144T, A3361T.
Identifiers: ClinVar variation 2142399 (VCV002142399.5), dbSNP rs368251682, ClinGen allele CA3790645.

ClinVar aggregate classification (germline): Uncertain significance. Review status: criteria provided, multiple submitters, no conflicts (2 of 4 stars). 2 submissions from 2 submitters: Uncertain significance (2). Last evaluated 2025-08-30.

Conditions:
Primary ciliary dyskinesia. Also called: Ciliary dyskinesia. Identifiers: Orphanet 244, MedGen C0008780, MONDO:0016575, HP:0012265.

Allele frequency attached by ClinVar (database versions not stated): gnomAD exomes 0.00002; ExAC 0.00003; TOPMed 0.00014; ESP Exome Variant Server 0.00015; gnomAD 0.00019.
gnomAD v4.1: 50 of 1,610,150 alleles (0.0031%); highest among the groups gnomAD compares: African/African-American, 0.064%; no homozygotes.

Submissions (2):

Ambry Genetics
Classification: Uncertain significance. Last evaluated: 2025-08-30. Review status: criteria provided, single submitter. Criteria: Ambry Variant Classification Scheme 2023. Collection method: clinical testing. Allele origin: germline.

Labcorp Genetics (formerly Invitae), Labcorp
Classification: Uncertain significance for Primary ciliary dyskinesia. Last evaluated: 2025-08-10. Review status: criteria provided, single submitter. Criteria: Invitae Variant Classification Sherloc (09022015). Collection method: clinical testing. Allele origin: germline.
Comment: This sequence change replaces alanine, which is neutral and non-polar, with threonine, which is neutral and polar, at codon 3361 of the DNAH8 protein (p.Ala3361Thr). This variant is present in population databases (rs368251682, gnomAD 0.07%). This variant has not been reported in the literature in individuals affected with DNAH8-related conditions. ClinVar contains an entry for this variant (Variation ID: 2142399). Invitae Evidence Modeling of protein sequence and biophysical properties (such as structural, functional, and spatial information, amino acid conservation, physicochemical variation, residue mobility, and thermodynamic stability) has been performed for this missense variant. However, the output from this modeling did not meet the statistical confidence thresholds required to predict the impact of this variant on DNAH8 protein function. In summary, the available evidence is currently insufficient to determine the role of this variant in disease. Therefore, it has been classified as a Variant of Uncertain Significance.